The following is an entry in ClinVar:

NM_000307.5(POU3F4):c.922_925dup (p.Ser309fs)

Gene: POU3F4 (POU class 3 homeobox 4; plus strand). Cytogenetic location: Xq21.1.
Variant type: Duplication.
Coding change: c.922_925dup on transcript NM_000307.5 (MANE Select); coding-DNA positions 922 to 925, 4 bases duplicated (ATCT; older notation c.922_925dupATCT).
Protein change: p.Ser309fs; shifts the reading frame from serine 309.
Molecular consequence: frameshift variant.
Genome position (GRCh38, 1-based): chrX:83,509,246-83,509,249, ATCT duplicated. VCF-style (leftmost placement, unchanged base first): chrX-83509245-G-GATCT. GRCh37 (hg19) VCF-style: chrX-82764253-G-GATCT.
Other names: short protein forms S309fs.
Identifiers: ClinVar variation 3601684 (VCV003601684.1).

ClinVar aggregate classification (germline): Pathogenic (1 of 4 stars; one submission).

Conditions:
X-linked mixed hearing loss with perilymphatic gusher. Also called: Deafness, X-linked 2; NANCE DEAFNESS; PERILYMPHATIC GUSHER-DEAFNESS SYNDROME; SENSORINEURAL DEAFNESS, PROFOUND, WITH OR WITHOUT A CONDUCTIVE COMPONENT, ASSOCIATED WITH A UNIQUE DEVELOPMENTAL ABNORMALITY OF THE EAR; Gusher syndrome. Identifiers: Orphanet 383, MedGen C1844678, MONDO:0010576, OMIM 304400.

Submission:

Institute of Rare Diseases, West China Hospital, Sichuan University
Classification: Pathogenic for X-linked mixed hearing loss with perilymphatic gusher. Last evaluated: 2025-01-09. Review status: criteria provided, single submitter. Criteria: ClinGen HL ACMG Specifications v1. Collection method: research. Allele origin: germline. Affected: yes.
Comment: PM1;PVS1;PM3_Supporting;PP4;PM2_Supporting